The following is an entry in ClinVar:

NM_139057.4(ADAMTS17):c.3060C>T (p.Tyr1020=)

Gene: ADAMTS17 (ADAM metallopeptidase with thrombospondin type 1 motif 17; minus strand). Cytogenetic location: 15q26.3.
Variant type: single nucleotide variant.
Coding change: c.3060C>T on transcript NM_139057.4 (MANE Select); coding-DNA position 3060, C replaced by T.
Protein change: p.Tyr1020=; no amino-acid change (tyrosine 1020 retained).
Molecular consequence: synonymous variant.
Genome position (GRCh38, 1-based): chr15:99,976,112, G>A on the plus strand (C>T on the coding strand, the complement: ADAMTS17 is on the minus strand). VCF-style: chr15-99976112-G-A. GRCh37 (hg19) VCF-style: chr15-100516317-G-A.
Other names: c.3060C>T (NM_139057.3).
Identifiers: ClinVar variation 3006461 (VCV003006461.4), dbSNP rs917232096, ClinGen allele CA275488639.

ClinVar aggregate classification (germline): Likely benign. Review status: criteria provided, single submitter (1 of 4 stars). 2 submissions from 2 submitters: Likely benign (1). 1 of the submissions does not count toward it. Last evaluated 2023-12-23.

Conditions:
ADAMTS17-related disorder. Also called: ADAMTS17-related condition.

Allele frequency attached by ClinVar (database versions not stated): TOPMed below 0.00001; gnomAD exomes 0.00002.
gnomAD v4.1: 25 of 1,551,564 alleles (0.0016%); highest among the groups gnomAD compares: South Asian, 0.0036%; no homozygotes.

Submissions (2):

Labcorp Genetics (formerly Invitae), Labcorp
Classification: Likely benign. Last evaluated: 2023-12-23. Review status: criteria provided, single submitter. Criteria: Invitae Variant Classification Sherloc (09022015). Collection method: clinical testing. Allele origin: germline.

PreventionGenetics, part of Exact Sciences
Classification: Likely benign for ADAMTS17-related condition. Last evaluated: 2024-05-16. Review status: no assertion criteria provided. Collection method: clinical testing. Allele origin: germline. Not counted in ClinVar's aggregate classification.
Comment: This variant is classified as likely benign based on ACMG/AMP sequence variant interpretation guidelines (Richards et al. 2015 PMID: 25741868, with internal and published modifications).